The following is an entry in ClinVar:

ClinVar aggregate classification (germline): Likely benign (0 of 4 stars; one submission).

Conditions:
GNAS-related disorder. Identifiers: MedGen CN380105.

gnomAD v4.1: 13 of 1,613,546 alleles (0.00081%); highest among the groups gnomAD compares: Non-Finnish European, 0.0011%; 1 homozygote.

Submission:

PreventionGenetics, part of Exact Sciences
Classification: Likely benign for GNAS-related condition. Last evaluated: 2021-09-08. Review status: no assertion criteria provided. Collection method: clinical testing. Allele origin: germline.
Comment: This variant is classified as likely benign based on ACMG/AMP sequence variant interpretation guidelines (Richards et al. 2015 PMID: 25741868, with internal and published modifications).

NM_016592.5(GNAS):c.366G>A (p.Glu122=)

Genes: GNAS (GNAS complex locus; plus strand), GNAS-AS1 (GNAS antisense RNA 1; minus strand). Cytogenetic location: 20q13.32.
Variant type: single nucleotide variant.
Coding change: c.366G>A on transcript NM_016592.5 (MANE Plus Clinical); coding-DNA position 366, G replaced by A.
Protein change: p.Glu122=; no amino-acid change (glutamic acid 122 retained).
Molecular consequence: synonymous variant. On other transcripts: 5 prime UTR variant (1).
Genome position (GRCh38, 1-based): chr20:58,840,472, G>A. VCF-style: chr20-58840472-G-A. GRCh37 (hg19) VCF-style: chr20-57415527-G-A.
Other names: c.-372G>A (NM_001410912.1).
Identifiers: ClinVar variation 3030494 (VCV003030494.2), dbSNP rs936448388, ClinGen allele CA316327181.